The following is an entry in ClinVar:

NM_000051.4(ATM):c.6067G>A (p.Gly2023Arg)

Genes: C11orf65 (chromosome 11 open reading frame 65; minus strand), ATM (ATM serine/threonine kinase; plus strand). Cytogenetic location: 11q22.3.
Variant type: single nucleotide variant.
Coding change: c.6067G>A on transcript NM_000051.4 (MANE Select); coding-DNA position 6067, G replaced by A.
Protein change: p.Gly2023Arg; replaces glycine 2023 with arginine.
Molecular consequence: missense variant. On other transcripts: intron variant (2).
Genome position (GRCh38, 1-based): chr11:108,315,883, G>A. VCF-style: chr11-108315883-G-A. GRCh37 (hg19) VCF-style: chr11-108186610-G-A.
Other names: p.G2023R:GGA>AGA; NP_000042.3:p.Gly2023Arg; c.6067G>A (NM_000051.2); c.6067G>A, p.Gly2023Arg (NM_001351834.2); c.641-6812C>T (NM_001330368.2); c.*39-6812C>T (NM_001351110.2); short protein forms G2023R.
Identifiers: ClinVar variation 127416 (VCV000127416.99), dbSNP rs11212587, ClinGen allele CA157150.

ClinVar aggregate classification (germline): Conflicting classifications of pathogenicity. Review status: criteria provided, conflicting classifications (1 of 4 stars). 35 submissions from 34 submitters: Uncertain significance (5); Benign (8); Likely benign (16). 6 of the submissions do not count toward it. Last evaluated 2026-10-01.

Conditions:
ATM-related cancer predisposition. Also called: ATM-related cancer susceptibility. Identifiers: MedGen CN377759, MONDO:0700270.
Hereditary cancer-predisposing syndrome. Also called: Neoplastic Syndromes, Hereditary; Hereditary Cancer Syndrome; Tumor predisposition; Hereditary neoplastic syndrome. Identifiers: Orphanet 140162, MedGen C0027672, MeSH D009386, MONDO:0015356.
Breast and/or ovarian cancer. Identifiers: MedGen CN221562.
Hereditary breast ovarian cancer syndrome. Also called: BRCA1- and BRCA2-Associated Hereditary Breast and Ovarian Cancer; Hereditary breast and ovarian cancer syndrome; Hereditary breast and ovarian cancer syndrome (HBOC); Hereditary breast and/or ovarian cancer syndrome; Hereditary breast and ovarian cancer; Breast and ovarian cancer. Identifiers: Orphanet 145, MedGen C0677776, MeSH D061325, MONDO:0003582. Disease mechanism: loss of function.
Familial cancer of breast. Also called: BREAST CANCER, FAMILIAL; hereditary breast carcinoma; Hereditary breast cancer. Identifiers: Orphanet 227535, MedGen C0346153, MONDO:0016419, OMIM 114480. Disease mechanism: loss of function.
Ataxia-telangiectasia syndrome (AT). Also called: Ataxia-telangiectasia, complementation group D; AT, COMPLEMENTATION GROUP C; Ataxia-telangiectasia; ATAXIA-TELANGIECTASIA, COMPLEMENTATION GROUP A; ATAXIA-TELANGIECTASIA, FRESNO VARIANT; Ataxia-telangiectasia, complementation group E. Identifiers: Orphanet 100, MedGen C0004135, MONDO:0008840, OMIM 208900.
Malignant tumor of breast. Also called: Malignant breast neoplasm; Cancer breast. Identifiers: MedGen C0006142, MONDO:0007254. Disease mechanism: loss of function.
Tip-toe gait. Also called: Toe walking. Identifiers: MedGen C0427144, HP:0030051.

Allele frequency attached by ClinVar (database versions not stated): 1000 Genomes Project 30x 0.00094; TOPMed 0.00132; 1000 Genomes Project 0.00120; gnomAD 0.00124 and 0.00127; ExAC 0.00157; gnomAD exomes 0.00143 and 0.00157; ESP Exome Variant Server 0.00231.
gnomAD v4.1: 2,496 of 1,612,772 alleles (0.15%); highest among the groups gnomAD compares: Non-Finnish European, 0.19%; 4 homozygotes.

Submissions 1 to 21 of 35:

CeGaT Center for Human Genetics Tuebingen
Classification: Likely benign. Last evaluated: 2026-10-01. Review status: criteria provided, single submitter. Criteria: CeGaT Center For Human Genetics Tuebingen Variant Classification Criteria Version 2. Collection method: clinical testing. Allele origin: germline. Affected: yes. Observed: 62 variant alleles.
Comment: ATM: BS2

Labcorp Genetics (formerly Invitae), Labcorp
Classification: Benign for Ataxia-telangiectasia syndrome. Last evaluated: 2026-02-03. Review status: criteria provided, single submitter. Criteria: Invitae Variant Classification Sherloc (09022015). Collection method: clinical testing. Allele origin: germline.

Praxis Für Humangenetik, Biosciencia MVZ Labor Saar
Classification: Benign for Hereditary cancer-predisposing syndrome. Last evaluated: 2025-11-24. Review status: criteria provided, single submitter. Criteria: ACMG Guidelines, 2015. Collection method: clinical testing. Allele origin: germline.
Comment: BS1, BS2

Dasa
Classification: Benign for ATM-related cancer predisposition. Last evaluated: 2025-10-28. Review status: criteria provided, single submitter. Criteria: DASA Assertion Criteria. Collection method: clinical testing. Allele origin: germline.
Comment: NM_000051.4(ATM):c.6067G>A (p.Gly2023Arg) is a missense variant that results in the substitution of glycine with arginine. Population frequency is inconsistent with a disease-causing role for this variant. Therefore, based on the currently available evidence, this variant is classified as benign.

Praxis Für Humangenetik, Biosciencia MVZ Labor Saar
Classification: Likely benign for Familial cancer of breast. Last evaluated: 2025-10-15. Review status: criteria provided, single submitter. Criteria: ACMG Guidelines, 2015. Collection method: clinical testing. Allele origin: germline.
Comment: BP4, BS1

ARUP Laboratories, Molecular Genetics and Genomics, ARUP Laboratories
Classification: Likely benign. Last evaluated: 2025-07-03. Review status: criteria provided, single submitter. Criteria: ARUP Molecular Germline Variant Investigation Process 2024. Collection method: clinical testing. Allele origin: germline.

Center for Genomic Medicine, Rigshospitalet, Copenhagen University Hospital
Classification: Likely benign. Last evaluated: 2025-03-04. Review status: criteria provided, single submitter. Criteria: ACMG Guidelines, 2015. Collection method: clinical testing. Allele origin: germline.

Athena Diagnostics
Classification: Likely benign. Last evaluated: 2025-01-21. Review status: criteria provided, single submitter. Criteria: Athena Diagnostics Criteria. Collection method: clinical testing. Allele origin: unknown.
Comment: The frequency of this variant in the general population is higher than would generally be expected for pathogenic variants in this gene.

Myriad Genetics, Inc.
Classification: Benign for Familial cancer of breast. Last evaluated: 2025-01-10. Review status: criteria provided, single submitter. Criteria: Myriad Autosomal Dominant, Autosomal Recessive and X-Linked Classification Criteria (2023). Collection method: clinical testing. Allele origin: unknown.
Comment: This variant is considered benign. This variant is strongly associated with less severe personal and family histories of cancer, typical for individuals without pathogenic variants in this gene [PMID: 25085752]. This variant has been observed at a population frequency that is significantly greater than expected given the associated disease prevalence and penetrance.

Blueprint Genetics
Classification: Likely benign. Last evaluated: 2024-11-19. Review status: criteria provided, single submitter. Criteria: ACMG Guidelines, 2015. Collection method: clinical testing. Allele origin: germline.

Mayo Clinic Laboratories, Mayo Clinic
Classification: Likely benign. Last evaluated: 2024-10-02. Review status: criteria provided, single submitter. Criteria: ACMG Guidelines, 2015. Collection method: clinical testing. Allele origin: germline. Observed: 16 variant alleles.
Comment: BS1

Mendelics
Classification: Benign for Ataxia-telangiectasia syndrome. Last evaluated: 2023-08-22. Review status: criteria provided, single submitter. Criteria: Mendelics Assertion Criteria 2019. Collection method: clinical testing. Allele origin: germline.

Quest Diagnostics Nichols Institute San Juan Capistrano
Classification: Likely benign. Last evaluated: 2023-04-18. Review status: criteria provided, single submitter. Criteria: Quest Diagnostics criteria. Collection method: clinical testing. Allele origin: unknown.

CHEO Genetics Diagnostic Laboratory, Children's Hospital of Eastern Ontario
Classification: Likely benign for Breast and/or ovarian cancer. Last evaluated: 2023-03-30. Review status: criteria provided, single submitter. Criteria: ACMG Guidelines, 2015. Collection method: clinical testing. Allele origin: germline.

Clinical Genetics Laboratory, Skane University Hospital Lund
Classification: Likely benign. Last evaluated: 2022-06-10. Review status: criteria provided, single submitter. Criteria: ACMG Guidelines, 2015. Collection method: clinical testing. Allele origin: germline. Affected: yes.

National Health Laboratory Service, Universitas Academic Hospital and University of the Free State
Classification: Uncertain significance for Hereditary breast ovarian cancer syndrome. Last evaluated: 2022-04-19. Review status: criteria provided, single submitter. Criteria: ACMG Guidelines, 2015. Collection method: clinical testing. Allele origin: germline. Affected: yes. Observed: 2 variant alleles.

Genetic Services Laboratory, University of Chicago
Classification: Likely benign. Last evaluated: 2021-12-30. Review status: criteria provided, single submitter. Criteria: ACMG Guidelines, 2015. Collection method: clinical testing. Allele origin: germline. Affected: no.

Institute for Clinical Genetics, University Hospital TU Dresden, University Hospital TU Dresden
Classification: Likely benign. Last evaluated: 2021-11-03. Review status: criteria provided, single submitter. Criteria: ACMG Guidelines, 2015. Collection method: clinical testing. Allele origin: germline.

Genome-Nilou Lab
Classification: Likely benign for Ataxia-telangiectasia syndrome. Last evaluated: 2021-07-14. Review status: criteria provided, single submitter. Criteria: ACMG Guidelines, 2015. Collection method: clinical testing. Allele origin: germline. Affected: no.

GeneDx
Classification: Likely benign. Last evaluated: 2021-06-17. Review status: criteria provided, single submitter. Criteria: GeneDx Variant Classification Process June 2021. Collection method: clinical testing. Allele origin: germline. Affected: yes.
Comment: This variant is associated with the following publications: (PMID: 26976419, 26787654, 26094658, 27153395, 21933854, 29445900, 26053404, 19404735, 11505391, 17393301, 12810666, 22529920, 23091097, 17968022, 12149228, 16461462, 21787400, 19781682, 24728327, 25624042, 26898890, 27664052, 25980754, 24584352, 27150160, 26483394, 26822149, 27882345, 25625042, 27498913, 28608266, 29678143, 23555315, 26822949, 27621404, 28779002, 30197789, 31108397, 30309722, 31159747, 30303537, 32854451)

Sema4
Classification: Benign for Hereditary cancer-predisposing syndrome. Last evaluated: 2020-07-08. Review status: criteria provided, single submitter. Criteria: Sema4 Curation Guidelines. Collection method: curation. Allele origin: germline.